The following is an entry in ClinVar:

ClinVar aggregate classification (germline): Uncertain significance. Review status: criteria provided, multiple submitters, no conflicts (2 of 4 stars). 4 submissions from 4 submitters: Uncertain significance (4). Last evaluated 2026-03-11.

Allele frequency attached by ClinVar (database versions not stated): gnomAD exomes 0.00009 and 0.00005; gnomAD 0.00010 and 0.00005; TOPMed 0.00012; ExAC 0.00004; ESP Exome Variant Server 0.00008.

Submissions (4):

GeneDx
Classification: Uncertain significance. Last evaluated: 2026-03-11. Review status: criteria provided, single submitter. Criteria: GeneDx Variant Classification Process June 2021. Collection method: clinical testing. Allele origin: germline.
Comment: Not observed at significant frequency in large population cohorts (gnomAD); In silico analysis supports that this missense variant has a deleterious effect on protein structure/function; Has not been previously published as pathogenic or benign to our knowledge

Ambry Genetics
Classification: Uncertain significance. Last evaluated: 2025-10-24. Review status: criteria provided, single submitter. Criteria: Ambry Variant Classification Scheme 2023. Collection method: clinical testing. Allele origin: germline.

Mayo Clinic Laboratories, Mayo Clinic
Classification: Uncertain significance. Last evaluated: 2024-12-27. Review status: criteria provided, single submitter. Criteria: ACMG Guidelines, 2015. Collection method: clinical testing. Allele origin: germline. Observed: 1 variant allele.

Labcorp Genetics (formerly Invitae), Labcorp
Classification: Uncertain significance. Last evaluated: 2022-08-21. Review status: criteria provided, single submitter. Criteria: Invitae Variant Classification Sherloc (09022015). Collection method: clinical testing. Allele origin: germline.
Comment: This sequence change replaces leucine, which is neutral and non-polar, with serine, which is neutral and polar, at codon 114 of the COQ7 protein (p.Leu114Ser). This variant is present in population databases (rs376073960, gnomAD 0.01%). This variant has not been reported in the literature in individuals affected with COQ7-related conditions. ClinVar contains an entry for this variant (Variation ID: 1357976). Algorithms developed to predict the effect of missense changes on protein structure and function (SIFT, PolyPhen-2, Align-GVGD) all suggest that this variant is likely to be disruptive. In summary, the available evidence is currently insufficient to determine the role of this variant in disease. Therefore, it has been classified as a Variant of Uncertain Significance.

NM_016138.5(COQ7):c.341T>C (p.Leu114Ser)

Gene: COQ7 (coenzyme Q7, hydroxylase; plus strand). Cytogenetic location: 16p12.3.
Variant type: single nucleotide variant.
Coding change: c.341T>C on transcript NM_016138.5 (MANE Select); coding-DNA position 341, T replaced by C.
Protein change: p.Leu114Ser; replaces leucine 114 with serine.
Molecular consequence: missense variant. On other transcripts: non-coding transcript variant (2).
Genome position (GRCh38, 1-based): chr16:19,074,009, T>C. VCF-style: chr16-19074009-T-C. GRCh37 (hg19) VCF-style: chr16-19085331-T-C.
Other names: p.Leu114Ser; c.227T>C, p.Leu76Ser (NM_001190983.2, NM_001370492.1, NM_001370493.1 and 2 more transcripts); c.299T>C, p.Leu100Ser (NM_001370489.1, NM_001370491.1); c.341T>C, p.Leu114Ser (NM_001370490.1); c.341T>C (NM_016138.4); short protein forms L100S, L114S, L76S.
Identifiers: ClinVar variation 1357976 (VCV001357976.7), dbSNP rs376073960, ClinGen allele CA7932975.
Genomic context (GRCh38, chr16:19,074,009, plus strand): 5'-TGAAAAAGTTCAATGAGTTGATGGTTACGTTCAGGGTCCGGCCAACAGTTCTGATGCCCT[T>C]GTGGAACGTGCTGGGGTTTGCACTGGGTACGTGTCTCTCTAGAAGAGCTTATGCAAGCTT-3'
Protein context (NP_057222.2, residues 104-124): FRVRPTVLMP[Leu114Ser]WNVLGFALGA